The following is an entry in ClinVar:

ClinVar aggregate classification (germline): Likely pathogenic (1 of 4 stars; one submission).

Conditions:
Capillary malformation-arteriovenous malformation 2 (CMAVM2). Identifiers: Orphanet 693912, MedGen C4748670, MONDO:0020785, OMIM 618196.

Submission:

Seattle Children's Hospital Molecular Genetics Laboratory, Seattle Children's Hospital
Classification: Likely pathogenic for Capillary malformation-arteriovenous malformation 2. Last evaluated: 2021-12-20. Review status: criteria provided, single submitter. Criteria: ACMG Guidelines, 2015. Collection method: clinical testing. Allele origin: germline. Affected: yes.
Comment: This variant results in the substitution of a glycine with an aspartic acid at amino acid position 514 in the fibronectin type III domain of the EPBH4 protein. This variant has not previously been previously reported in the medical literature or patient databases and is absent from the general population (gnomAD v2.1.1). However, other damaging missense variants in the same domain have been reported among individuals with CM-AVM syndrome (PMID: 28687708, ClinVar Variation ID: 691538).

NM_004444.5(EPHB4):c.1541G>A (p.Gly514Asp)

Gene: EPHB4 (EPH receptor B4; minus strand). Cytogenetic location: 7q22.1.
Variant type: single nucleotide variant.
Coding change: c.1541G>A on transcript NM_004444.5 (MANE Select); coding-DNA position 1541, G replaced by A.
Protein change: p.Gly514Asp; replaces glycine 514 with aspartic acid.
Molecular consequence: missense variant.
Genome position (GRCh38, 1-based): chr7:100,817,239, C>T on the plus strand (G>A on the coding strand, the complement: EPHB4 is on the minus strand). VCF-style: chr7-100817239-C-T. GRCh37 (hg19) VCF-style: chr7-100414861-C-T.
Other names: short protein forms G514D.
Identifiers: ClinVar variation 1691321 (VCV001691321.2), dbSNP rs2116443777, ClinGen allele CA368572800.
Genomic context (GRCh38, chr7:100,817,239, plus strand): 5'-TCCCCAGGCTCACCATCCAGTTGGGTCTGGCTGTGATGTTCCTGGCCGAAGGGCCCGTAG[C>T]CGGCCTCAGAGCGCGCCCGTACCTGCACCAGGTAGCTGGCTCCCCGCTTCAGCCCCCGCA-3'
Protein context (NP_004435.3, residues 504-524): LVQVRARSEA[Gly514Asp]YGPFGQEHHS